The following is an entry in ClinVar:

ClinVar aggregate classification (germline): Uncertain significance (1 of 4 stars; one submission).

Conditions:
Neonatal-onset encephalopathy with rigidity and seizures. Also called: Lethal neonatal spasticity-epileptic encephalopathy syndrome. Identifiers: Orphanet 435845, MedGen C3281029, MONDO:0013784, OMIM 614498.

Submission:

Labcorp Genetics (formerly Invitae), Labcorp
Classification: Uncertain significance for Neonatal-onset encephalopathy with rigidity and seizures. Last evaluated: 2021-09-27. Review status: criteria provided, single submitter. Criteria: Invitae Variant Classification Sherloc (09022015). Collection method: clinical testing. Allele origin: germline.
Comment: In summary, the available evidence is currently insufficient to determine the role of this variant in disease. Therefore, it has been classified as a Variant of Uncertain Significance. Algorithms developed to predict the effect of missense changes on protein structure and function (SIFT, PolyPhen-2, Align-GVGD) all suggest that this variant is likely to be tolerated. This variant has not been reported in the literature in individuals affected with BRAT1-related conditions. This variant is not present in population databases (ExAC no frequency). This sequence change replaces leucine with proline at codon 752 of the BRAT1 protein (p.Leu752Pro). The leucine residue is moderately conserved and there is a moderate physicochemical difference between leucine and proline.

NM_152743.4(BRAT1):c.2255T>C (p.Leu752Pro)

Gene: BRAT1 (BRCA1 associated ATM activator 1; minus strand). Cytogenetic location: 7p22.3.
Variant type: single nucleotide variant.
Coding change: c.2255T>C on transcript NM_152743.4 (MANE Select); coding-DNA position 2255, T replaced by C.
Protein change: p.Leu752Pro; replaces leucine 752 with proline.
Molecular consequence: missense variant. On other transcripts: non-coding transcript variant (1).
Genome position (GRCh38, 1-based): chr7:2,538,280, A>G on the plus strand (T>C on the coding strand, the complement: BRAT1 is on the minus strand). VCF-style: chr7-2538280-A-G. GRCh37 (hg19) VCF-style: chr7-2577914-A-G.
Other names: c.2435T>C, p.Leu812Pro (NM_001350626.2); c.1730T>C, p.Leu577Pro (NM_001350627.2); short protein forms L577P, L812P, L752P.
Identifiers: ClinVar variation 1430184 (VCV001430184.6), dbSNP rs1184068311, ClinGen allele CA366624079.
Genomic context (GRCh38, chr7:2,538,280, plus strand): 5'-ACAGCCTCAGGCTCCTGGTCCCCTGGGGGCTGGGCCTGCTCACCCGCCCGCCACCTCGGC[A>G]GGGTGGCCTCTGCGGAGGCAGTGTTGGGGCTGCCCCTGGCCTCCCGCAGGCTGCTGTAGG-3'
Protein context (NP_689956.2, residues 742-762): SPNTASAEAT[Leu752Pro]PRWRAGEQAQ